The following is an entry in ClinVar:

NM_000051.4(ATM):c.2737A>G (p.Thr913Ala)

Gene: ATM (ATM serine/threonine kinase; plus strand). Cytogenetic location: 11q22.3.
Variant type: single nucleotide variant.
Coding change: c.2737A>G on transcript NM_000051.4 (MANE Select); coding-DNA position 2737, A replaced by G.
Protein change: p.Thr913Ala; replaces threonine 913 with alanine.
Molecular consequence: missense variant.
Genome position (GRCh38, 1-based): chr11:108,268,508, A>G. VCF-style: chr11-108268508-A-G. GRCh37 (hg19) VCF-style: chr11-108139235-A-G.
Other names: c.2737A>G, p.Thr913Ala (NM_001351834.2); short protein forms T913A.
Identifiers: ClinVar variation 1053118 (VCV001053118.9), dbSNP rs2135525084, ClinGen allele CA382545379.

ClinVar aggregate classification (germline): Uncertain significance (1 of 4 stars; one submission).

Conditions:
Ataxia-telangiectasia syndrome (AT). Also called: ATAXIA-TELANGIECTASIA, FRESNO VARIANT; Ataxia-telangiectasia, complementation group E; ATAXIA-TELANGIECTASIA, COMPLEMENTATION GROUP A; LOUIS-BAR SYNDROME; Ataxia-telangiectasia, complementation group D; AT, COMPLEMENTATION GROUP C. Identifiers: Orphanet 100, MedGen C0004135, MONDO:0008840, OMIM 208900.

Submission:

Labcorp Genetics (formerly Invitae), Labcorp
Classification: Uncertain significance for Ataxia-telangiectasia syndrome. Last evaluated: 2020-02-05. Review status: criteria provided, single submitter. Criteria: Invitae Variant Classification Sherloc (09022015). Collection method: clinical testing. Allele origin: germline.
Comment: Algorithms developed to predict the effect of missense changes on protein structure and function output the following: SIFT: "Tolerated"; PolyPhen-2: "Benign"; Align-GVGD: "Class C0". The alanine amino acid residue is found in multiple mammalian species, suggesting that this missense change does not adversely affect protein function. These predictions have not been confirmed by published functional studies and their clinical significance is uncertain. In summary, the available evidence is currently insufficient to determine the role of this variant in disease. Therefore, it has been classified as a Variant of Uncertain Significance. This variant has not been reported in the literature in individuals with ATM-related conditions. This variant is not present in population databases (ExAC no frequency). This sequence change replaces threonine with alanine at codon 913 of the ATM protein (p.Thr913Ala). The threonine residue is weakly conserved and there is a small physicochemical difference between threonine and alanine.